The following is an entry in ClinVar:

NM_004963.4(GUCY2C):c.2663G>A (p.Arg888Gln)

Gene: GUCY2C (guanylate cyclase 2C; minus strand). Cytogenetic location: 12p12.3.
Variant type: single nucleotide variant.
Coding change: c.2663G>A on transcript NM_004963.4 (MANE Select); coding-DNA position 2663, G replaced by A.
Protein change: p.Arg888Gln; replaces arginine 888 with glutamine.
Molecular consequence: missense variant.
Genome position (GRCh38, 1-based): chr12:14,621,155, C>T on the plus strand (G>A on the coding strand, the complement: GUCY2C is on the minus strand). VCF-style: chr12-14621155-C-T. GRCh37 (hg19) VCF-style: chr12-14774089-C-T.
Other names: short protein forms R888Q.
Identifiers: ClinVar variation 1511090 (VCV001511090.6), dbSNP rs373549158, ClinGen allele CA6463016.
Genomic context (GRCh38, chr12:14,621,155, plus strand): 5'-TCAAAGGTCCCCATGAAGCTGAGGATTTCCAAGGCCATCTTGGCAATGTCTATTGCATGC[C>T]GATTGCCATTTCTCTTAGGCAAACCACTAGCCACCATGTACGCATCACCGATGGTTTCCA-3'
Protein context (NP_004954.2, residues 878-898): ASGLPKRNGN[Arg888Gln]HAIDIAKMAL

ClinVar aggregate classification (germline): Uncertain significance (1 of 4 stars; one submission).

Allele frequency attached by ClinVar (database versions not stated): gnomAD exomes 0.00002 and 0.00016; TOPMed 0.00005; ESP Exome Variant Server 0.00008; gnomAD 0.00010 and 0.00013; ExAC 0.00021; 1000 Genomes Project 30x 0.00094; 1000 Genomes Project 0.00100.
gnomAD v4.1: 53 of 1,613,182 alleles (0.0033%); highest among the groups gnomAD compares: East Asian, 0.076%; 1 homozygote.

Submission:

Labcorp Genetics (formerly Invitae), Labcorp
Classification: Uncertain significance. Last evaluated: 2026-01-06. Review status: criteria provided, single submitter. Criteria: Invitae Variant Classification Sherloc (09022015). Collection method: clinical testing. Allele origin: germline.
Comment: This sequence change replaces arginine, which is basic and polar, with glutamine, which is neutral and polar, at codon 888 of the GUCY2C protein (p.Arg888Gln). This variant is present in population databases (rs373549158, gnomAD 0.1%). This variant has not been reported in the literature in individuals affected with GUCY2C-related conditions. ClinVar contains an entry for this variant (Variation ID: 1511090). Invitae Evidence Modeling of protein sequence and biophysical properties (such as structural, functional, and spatial information, amino acid conservation, physicochemical variation, residue mobility, and thermodynamic stability) indicates that this missense variant is not expected to disrupt GUCY2C protein function with a negative predictive value of 80%. In summary, the available evidence is currently insufficient to determine the role of this variant in disease. Therefore, it has been classified as a Variant of Uncertain Significance.